The following is an entry in ClinVar:

ClinVar aggregate classification (germline): Uncertain significance. Review status: criteria provided, multiple submitters, no conflicts (2 of 4 stars). 2 submissions from 2 submitters: Uncertain significance (2). Last evaluated 2024-04-25.

Conditions:
Encephalopathy, acute, infection-induced (herpes-specific), susceptibility to, 1. Also called: Herpes simplex encephalitis, susceptibility to, 1. Identifiers: Orphanet 1930, MedGen C2750180, MONDO:0024563, OMIM 610551.

Allele frequency attached by ClinVar (database versions not stated): TOPMed 0.00012; gnomAD 0.00004 and 0.00005; gnomAD exomes 0.00003 and 0.00007; 1000 Genomes Project 30x 0.00016; ExAC 0.00009.
gnomAD v4.1: 25 of 1,521,922 alleles (0.0016%); highest among the groups gnomAD compares: Admixed American, 0.04%; no homozygotes.

Submissions (2):

Labcorp Genetics (formerly Invitae), Labcorp
Classification: Uncertain significance for Encephalopathy, acute, infection-induced (herpes-specific), susceptibility to, 1. Last evaluated: 2024-04-25. Review status: criteria provided, single submitter. Criteria: Invitae Variant Classification Sherloc (09022015). Collection method: clinical testing. Allele origin: germline.
Comment: This sequence change replaces glutamic acid, which is acidic and polar, with lysine, which is basic and polar, at codon 46 of the UNC93B1 protein (p.Glu46Lys). This variant is present in population databases (rs781047243, gnomAD 0.03%). This variant has not been reported in the literature in individuals affected with UNC93B1-related conditions. ClinVar contains an entry for this variant (Variation ID: 1022414). Experimental studies and prediction algorithms are not available or were not evaluated, and the functional significance of this variant is currently unknown. In summary, the available evidence is currently insufficient to determine the role of this variant in disease. Therefore, it has been classified as a Variant of Uncertain Significance.

Ambry Genetics
Classification: Uncertain significance. Last evaluated: 2023-12-01. Review status: criteria provided, single submitter. Criteria: Ambry Variant Classification Scheme 2023. Collection method: clinical testing. Allele origin: germline.

NM_030930.4(UNC93B1):c.136G>A (p.Glu46Lys)

Genes: UNC93B1 (unc-93B1 regulator of TLR signaling; minus strand), LOC130006235 (ATAC-STARR-seq lymphoblastoid silent region 3653; plus strand). Cytogenetic location: 11q13.2.
Variant type: single nucleotide variant.
Coding change: c.136G>A on transcript NM_030930.4 (MANE Select); coding-DNA position 136, G replaced by A.
Protein change: p.Glu46Lys; replaces glutamic acid 46 with lysine.
Molecular consequence: missense variant.
Genome position (GRCh38, 1-based): chr11:68,003,759, C>T on the plus strand (G>A on the coding strand, the complement: UNC93B1 is on the minus strand). VCF-style: chr11-68003759-C-T. GRCh37 (hg19) VCF-style: chr11-67771229-C-T.
Other names: c.136G>A (NM_030930.2); short protein forms E46K.
Identifiers: ClinVar variation 1022414 (VCV001022414.9), dbSNP rs781047243, ClinGen allele CA6145717.